The following is an entry in ClinVar:

NM_004006.3(DMD):c.4342C>T (p.Gln1448Ter)

Gene: DMD (dystrophin; minus strand). Cytogenetic location: Xp21.1.
Variant type: single nucleotide variant.
Coding change: c.4342C>T on transcript NM_004006.3 (MANE Select); coding-DNA position 4342, C replaced by T.
Protein change: p.Gln1448Ter; replaces glutamine 1448 with a stop codon.
Molecular consequence: nonsense.
Genome position (GRCh38, 1-based): chrX:32,390,073, G>A on the plus strand (C>T on the coding strand, the complement: DMD is on the minus strand). VCF-style: chrX-32390073-G-A. GRCh37 (hg19) VCF-style: chrX-32408190-G-A.
Other names: c.4318C>T, p.Gln1440Ter (NM_000109.4); c.4330C>T, p.Gln1444Ter (NM_004009.3); c.3973C>T, p.Gln1325Ter (NM_004010.3); c.319C>T, p.Gln107Ter (NM_004011.4); c.310C>T, p.Gln104Ter (NM_004012.4); short protein forms Q104*, Q107*, Q1325*, Q1440*, Q1444*, Q1448*.
Identifiers: ClinVar variation 983946 (VCV000983946.4), dbSNP rs2097990454, ClinGen allele CA412663875.
Genomic context (GRCh38, chrX:32,390,073, plus strand): 5'-AGACTGGAGTATAATGCCCAACGAAAACACGTTCCTTAGTTTCTGAAATAACATATACCT[G>A]TGCAACATCAATCTGAGACAGGACTCTTTGGGCAGCCTCCTTCCCCTGATTATGTTTCTT-3'

ClinVar aggregate classification (germline): Likely pathogenic (1 of 4 stars; one submission).

Conditions:
Progressive muscular dystrophy. Identifiers: Orphanet 206644, MedGen C4551827, MONDO:0016106.

Allele frequency attached by ClinVar (database versions not stated): gnomAD exomes below 0.00001.
gnomAD v4.1: 1 of 1,199,512 alleles (0.000083%); highest among the groups gnomAD compares: Non-Finnish European, 0.00011%; no homozygotes.

Submission:

Myriad Genetics, Inc.
Classification: Likely pathogenic for Progressive muscular dystrophy. Last evaluated: 2019-06-07. Review status: criteria provided, single submitter. Criteria: Myriad Autosomal Dominant, Autosomal Recessive and X-Linked Classification Criteria (2023). Collection method: clinical testing. Allele origin: unknown.
Comment: NM_004006.2(DMD):c.4342C>T(Q1448*) is expected to be pathogenic in the context of dystrophinopathy (including Duchenne/Becker muscular dystrophy). This variant is predicted to lead to an abnormal or absent protein product due to the creation of a premature termination codon in DMD, a gene where loss-of-function variants are known to be pathogenic. Please note: this variant was assessed in the context of healthy population screening.